The following is an entry in ClinVar:

ClinVar aggregate classification (germline): Uncertain significance (1 of 4 stars; one submission).

Conditions:
Primary ciliary dyskinesia 28. Also called: CILIARY DYSKINESIA, PRIMARY, 28, WITH OR WITHOUT SITUS INVERSUS. Identifiers: Orphanet 244, MedGen C3809706, MONDO:0014216, OMIM 615505.

Allele frequency attached by ClinVar (database versions not stated): gnomAD exomes below 0.00001; ExAC 0.00001; gnomAD 0.00001.
gnomAD v4.1: 6 of 1,548,022 alleles (0.00039%); highest among the groups gnomAD compares: East Asian, 0.0048%; no homozygotes.

Submission:

Labcorp Genetics (formerly Invitae), Labcorp
Classification: Uncertain significance for Primary ciliary dyskinesia 28. Last evaluated: 2022-06-20. Review status: criteria provided, single submitter. Criteria: Invitae Variant Classification Sherloc (09022015). Collection method: clinical testing. Allele origin: germline.
Comment: This sequence change replaces isoleucine, which is neutral and non-polar, with threonine, which is neutral and polar, at codon 183 of the SPAG1 protein (p.Ile183Thr). The frequency data for this variant in the population databases is considered unreliable, as metrics indicate poor data quality at this position in the gnomAD database. This variant has not been reported in the literature in individuals affected with SPAG1-related conditions. Algorithms developed to predict the effect of missense changes on protein structure and function output the following: SIFT: "Tolerated"; PolyPhen-2: "Benign"; Align-GVGD: "Class C0". The threonine amino acid residue is found in multiple mammalian species, which suggests that this missense change does not adversely affect protein function. In summary, the available evidence is currently insufficient to determine the role of this variant in disease. Therefore, it has been classified as a Variant of Uncertain Significance.

NM_003114.5(SPAG1):c.548T>C (p.Ile183Thr)

Gene: SPAG1 (sperm associated antigen 1; plus strand). Cytogenetic location: 8q22.2.
Variant type: single nucleotide variant.
Coding change: c.548T>C on transcript NM_003114.5 (MANE Select); coding-DNA position 548, T replaced by C.
Protein change: p.Ile183Thr; replaces isoleucine 183 with threonine.
Molecular consequence: missense variant.
Genome position (GRCh38, 1-based): chr8:100,184,015, T>C. VCF-style: chr8-100184015-T-C. GRCh37 (hg19) VCF-style: chr8-101196243-T-C.
Other names: c.548T>C, p.Ile183Thr (NM_001374321.1, NM_172218.3); short protein forms I183T.
Identifiers: ClinVar variation 1462644 (VCV001462644.5), dbSNP rs754428256, ClinGen allele CA4827293.
Genomic context (GRCh38, chr8:100,184,015, plus strand): 5'-GATTTGACGTGGAGAAGGAATGTTTAAAAATTGATGAAGATTACAAAGAAAAGACGGTAA[T>C]AGACAAGTCACACTTGTCTAAAATTGAGACAAGAATAGATACAGCAGGTAATTGGAGAAA-3'
Protein context (NP_003105.2, residues 173-193): IDEDYKEKTV[Ile183Thr]DKSHLSKIET